The following is an entry in ClinVar:

ClinVar aggregate classification (germline): Uncertain significance (1 of 4 stars; one submission).

gnomAD v4.1: 1 of 1,612,510 alleles (0.000062%); highest among the groups gnomAD compares: Middle Eastern, 0.017%; no homozygotes.

Submission:

Women's Health and Genetics/Laboratory Corporation of America, LabCorp
Classification: Uncertain significance. Last evaluated: 2025-06-27. Review status: criteria provided, single submitter. Criteria: LabCorp Variant Classification Summary - May 2015. Collection method: clinical testing. Allele origin: germline.
Comment: Variant summary: DDX11 c.1482G>A (p.Lys494Lys) alters a conserved nucleotide located close to a canonical splice site and therefore could affect mRNA splicing, leading to a significantly altered protein sequence. Several computational tools predict a significant impact on normal splicing: Three predict the variant abolishes a canonical 5' splicing donor site. However, these predictions have yet to be confirmed by functional studies. The variant was absent in 249526 control chromosomes. The available data on variant occurrences in the general population are insufficient to allow any conclusion about variant significance. To our knowledge, no occurrence of c.1482G>A in individuals affected with Warsaw Breakage Syndrome and no experimental evidence demonstrating its impact on protein function have been reported. No submitters have cited clinical-significance assessments for this variant to ClinVar. Based on the evidence outlined above, the variant was classified as uncertain significance.

NM_030653.4(DDX11):c.1482G>A (p.Lys494=)

Gene: DDX11 (DEAD/H-box helicase 11; plus strand). Cytogenetic location: 12p11.21.
Variant type: single nucleotide variant.
Coding change: c.1482G>A on transcript NM_030653.4 (MANE Select); coding-DNA position 1482, G replaced by A.
Protein change: p.Lys494=; no amino-acid change (lysine 494 retained).
Molecular consequence: synonymous variant. On other transcripts: non-coding transcript variant (4).
Genome position (GRCh38, 1-based): chr12:31,094,822, G>A. VCF-style: chr12-31094822-G-A. GRCh37 (hg19) VCF-style: chr12-31247756-G-A.
Other names: c.1482G>A, p.Lys494= (NM_001257144.2, NM_001413692.1, NM_001413693.1 and 5 more transcripts); c.1404G>A, p.Lys468= (NM_001257145.2, NM_001413697.1, NM_001413698.1 and 1 more transcripts); c.1395G>A, p.Lys465= (NM_001413700.1); c.954G>A, p.Lys318= (NM_001413702.1, NM_001413703.1); c.621G>A, p.Lys207= (NM_001413704.1, NM_001413705.1); c.516G>A, p.Lys172= (NM_001413706.1).
Identifiers: ClinVar variation 3907194 (VCV003907194.1).